The following is an entry in ClinVar:

ClinVar aggregate classification (germline): Uncertain significance (1 of 4 stars; one submission).

Allele frequency attached by ClinVar (database versions not stated): gnomAD 0.00001.
gnomAD v4.1: 1 of 1,614,004 alleles (0.000062%); highest among the groups gnomAD compares: African/African-American, 0.0013%; no homozygotes.

Submission:

Labcorp Genetics (formerly Invitae), Labcorp
Classification: Uncertain significance. Last evaluated: 2021-04-12. Review status: criteria provided, single submitter. Criteria: Invitae Variant Classification Sherloc (09022015). Collection method: clinical testing. Allele origin: germline.
Comment: In summary, the available evidence is currently insufficient to determine the role of this variant in disease. Therefore, it has been classified as a Variant of Uncertain Significance. Algorithms developed to predict the effect of missense changes on protein structure and function are either unavailable or do not agree on the potential impact of this missense change (SIFT: "Not Available"; PolyPhen-2: "Benign"; Align-GVGD: "Not Available"). This variant has not been reported in the literature in individuals with CA4-related conditions. This variant is not present in population databases (ExAC no frequency). This sequence change replaces glutamic acid with lysine at codon 146 of the CA4 protein (p.Glu146Lys). The glutamic acid residue is weakly conserved and there is a small physicochemical difference between glutamic acid and lysine.

NM_000717.5(CA4):c.436G>A (p.Glu146Lys)

Gene: CA4 (carbonic anhydrase 4; plus strand). Cytogenetic location: 17q23.1.
Variant type: single nucleotide variant.
Coding change: c.436G>A on transcript NM_000717.5 (MANE Select); coding-DNA position 436, G replaced by A.
Protein change: p.Glu146Lys; replaces glutamic acid 146 with lysine.
Molecular consequence: missense variant. On other transcripts: non-coding transcript variant (1).
Genome position (GRCh38, 1-based): chr17:60,157,711, G>A. VCF-style: chr17-60157711-G-A. GRCh37 (hg19) VCF-style: chr17-58235072-G-A.
Other names: short protein forms E146K.
Identifiers: ClinVar variation 1387184 (VCV001387184.6), dbSNP rs2083715270, ClinGen allele CA400456172.